The following is an entry in ClinVar:

NM_001844.5(COL2A1):c.135T>G (p.Asp45Glu)

Gene: COL2A1 (collagen type II alpha 1 chain; minus strand). Cytogenetic location: 12q13.11.
Variant type: single nucleotide variant.
Coding change: c.135T>G on transcript NM_001844.5 (MANE Select); coding-DNA position 135, T replaced by G.
Protein change: p.Asp45Glu; replaces aspartic acid 45 with glutamic acid.
Molecular consequence: missense variant. On other transcripts: intron variant (1).
Genome position (GRCh38, 1-based): chr12:48,000,076, A>C on the plus strand (T>G on the coding strand, the complement: COL2A1 is on the minus strand). VCF-style: chr12-48000076-A-C. GRCh37 (hg19) VCF-style: chr12-48393859-A-C.
Other names: c.86-1645T>G (NM_033150.3); short protein forms D45E.
Identifiers: ClinVar variation 1966201 (VCV001966201.5), dbSNP rs375778172, ClinGen allele CA384526555.

ClinVar aggregate classification (germline): Uncertain significance (1 of 4 stars; one submission).

Submission:

Labcorp Genetics (formerly Invitae), Labcorp
Classification: Uncertain significance. Last evaluated: 2022-02-22. Review status: criteria provided, single submitter. Criteria: Invitae Variant Classification Sherloc (09022015). Collection method: clinical testing. Allele origin: germline.
Comment: In summary, the available evidence is currently insufficient to determine the role of this variant in disease. Therefore, it has been classified as a Variant of Uncertain Significance. Advanced modeling of protein sequence and biophysical properties (such as structural, functional, and spatial information, amino acid conservation, physicochemical variation, residue mobility, and thermodynamic stability) performed at Invitae indicates that this missense variant is not expected to disrupt COL2A1 protein function. This variant has not been reported in the literature in individuals affected with COL2A1-related conditions. This variant is not present in population databases (gnomAD no frequency). This sequence change replaces aspartic acid, which is acidic and polar, with glutamic acid, which is acidic and polar, at codon 45 of the COL2A1 protein (p.Asp45Glu).